The following is an entry in ClinVar:

ClinVar aggregate classification (germline): Conflicting classifications of pathogenicity. Review status: criteria provided, conflicting classifications (1 of 4 stars). 4 submissions from 4 submitters: Uncertain significance (1); Benign (1); Likely benign (2). Last evaluated 2026-08-01.

Allele frequency attached by ClinVar (database versions not stated): gnomAD exomes 0.00034 and 0.00066; ESP Exome Variant Server 0.00113; ExAC 0.00148; gnomAD 0.00304 and 0.00323; TOPMed 0.00327; 1000 Genomes Project 0.00379; 1000 Genomes Project 30x 0.00390.
gnomAD v4.1: 927 of 1,530,224 alleles (0.061%); highest among the groups gnomAD compares: African/African-American, 1.1%; 6 homozygotes.

Submissions (4):

CeGaT Center for Human Genetics Tuebingen
Classification: Likely benign. Last evaluated: 2026-08-01. Review status: criteria provided, single submitter. Criteria: CeGaT Center For Human Genetics Tuebingen Variant Classification Criteria Version 2. Collection method: clinical testing. Allele origin: germline. Affected: yes. Observed: 2 variant alleles.
Comment: COL18A1: BS1

Labcorp Genetics (formerly Invitae), Labcorp
Classification: Benign. Last evaluated: 2026-01-27. Review status: criteria provided, single submitter. Criteria: Invitae Variant Classification Sherloc (09022015). Collection method: clinical testing. Allele origin: germline.

Blueprint Genetics
Classification: Likely benign. Last evaluated: 2024-11-13. Review status: criteria provided, single submitter. Criteria: ACMG Guidelines, 2015. Collection method: clinical testing. Allele origin: germline.

Athena Diagnostics
Classification: Uncertain significance. Last evaluated: 2016-10-31. Review status: criteria provided, single submitter. Criteria: Athena Diagnostics Criteria. Collection method: clinical testing. Allele origin: germline.

NM_001379500.1(COL18A1):c.3406G>A (p.Gly1136Arg)

Genes: COL18A1 (collagen type XVIII alpha 1 chain; plus strand), SLC19A1 (solute carrier family 19 member 1; minus strand). Cytogenetic location: 21q22.3.
Variant type: single nucleotide variant.
Coding change: c.3406G>A on transcript NM_001379500.1 (MANE Select); coding-DNA position 3406, G replaced by A.
Protein change: p.Gly1136Arg; replaces glycine 1136 with arginine.
Molecular consequence: missense variant.
Genome position (GRCh38, 1-based): chr21:45,509,512, G>A. VCF-style: chr21-45509512-G-A. GRCh37 (hg19) VCF-style: chr21-46929426-G-A.
Other names: NM_130445.2:c.3397G>A; c.3937G>A, p.Gly1313Arg (NM_030582.4); c.4642G>A, p.Gly1548Arg (NM_130444.3); short protein forms G1313R, G1548R, G1136R.
Identifiers: ClinVar variation 447127 (VCV000447127.13), dbSNP rs199836125, ClinGen allele CA10067878.
Genomic context (GRCh38, chr21:45,509,512, plus strand): 5'-TGGCGGGCAGATGACATCCTGGCCAGCCCCCCTCGCCTGCCCGAGCCCCAGCCCTACCCC[G>A]GAGCCCCGCACCACAGCTCCTACGTGCACCTGCGGCCGGCGCGACCCACAAGCCCACCCG-3'
Protein context (NP_001366429.1, residues 1126-1146): PRLPEPQPYP[Gly1136Arg]APHHSSYVHL